The following is an entry in ClinVar:

NM_001130965.3(SUN1):c.1112C>T (p.Ser371Phe)

Gene: SUN1 (Sad1 and UNC84 domain containing 1; plus strand). Cytogenetic location: 7p22.3.
Variant type: single nucleotide variant.
Coding change: c.1112C>T on transcript NM_001130965.3 (MANE Select); coding-DNA position 1112, C replaced by T.
Protein change: p.Ser371Phe; replaces serine 371 with phenylalanine.
Molecular consequence: missense variant. On other transcripts: non-coding transcript variant (3).
Genome position (GRCh38, 1-based): chr7:853,467, C>T. VCF-style: chr7-853467-C-T. GRCh37 (hg19) VCF-style: chr7-893104-C-T.
Other names: c.803C>T, p.Ser268Phe (NM_001171944.2); c.1112C>T, p.Ser371Phe (NM_001367633.1, NM_001367634.1, NM_001367653.1 and 1 more transcripts); c.761C>T, p.Ser254Phe (NM_001367635.1); c.1352C>T, p.Ser451Phe (NM_001367636.1, NM_001367691.1); c.1220C>T, p.Ser407Phe (NM_001367638.1); c.653C>T, p.Ser218Phe (NM_001367639.1); c.1292C>T, p.Ser431Phe (NM_001367640.1); c.1394C>T, p.Ser465Phe (NM_001367641.1, NM_001367682.1); and 38 more; short protein forms S268F, S325F, S366F, S371F, S375F, S385F, S387F, S415F.
Identifiers: ClinVar variation 641054 (VCV000641054.10), dbSNP rs779987779, ClinGen allele CA4112077.

ClinVar aggregate classification (germline): Uncertain significance (1 of 4 stars; one submission).

Conditions:
Emery-Dreifuss muscular dystrophy (EDMD). Also called: Scapuloperoneal syndrome, X-linked (formerly); Humeroperoneal neuromuscular disease, (formerly). Identifiers: Orphanet 261, MedGen C0410189, MONDO:0016830.

Allele frequency attached by ClinVar (database versions not stated): ExAC 0.00001; gnomAD 0.00001.
gnomAD v4.1: 6 of 1,613,968 alleles (0.00037%); highest among the groups gnomAD compares: African/African-American, 0.0013%; no homozygotes.

Submission:

Labcorp Genetics (formerly Invitae), Labcorp
Classification: Uncertain significance for Emery-Dreifuss muscular dystrophy. Last evaluated: 2022-08-16. Review status: criteria provided, single submitter. Criteria: Invitae Variant Classification Sherloc (09022015). Collection method: clinical testing. Allele origin: germline.
Comment: This sequence change replaces serine, which is neutral and polar, with phenylalanine, which is neutral and non-polar, at codon 371 of the SUN1 protein (p.Ser371Phe). This variant is not present in population databases (gnomAD no frequency). In summary, the available evidence is currently insufficient to determine the role of this variant in disease. Therefore, it has been classified as a Variant of Uncertain Significance. Algorithms developed to predict the effect of missense changes on protein structure and function output the following: SIFT: "Tolerated"; PolyPhen-2: "Possibly Damaging"; Align-GVGD: "Class C0". The phenylalanine amino acid residue is found in multiple mammalian species, which suggests that this missense change does not adversely affect protein function. ClinVar contains an entry for this variant (Variation ID: 641054). This variant has not been reported in the literature in individuals affected with SUN1-related conditions.